The following is an entry in ClinVar:

ClinVar aggregate classification (germline): Conflicting classifications of pathogenicity. Review status: criteria provided, conflicting classifications (1 of 4 stars). 4 submissions from 4 submitters: Uncertain significance (1); Benign (1); Likely benign (2). Last evaluated 2026-05-25.

Conditions:
KMT2D-related disorder. Also called: KMT2D-Related Disorders.
Inborn genetic diseases. Identifiers: MedGen C0950123, MeSH D030342.
Kabuki syndrome. Also called: Kabuki make-up syndrome; NIIKAWA-KUROKI SYNDROME. Identifiers: Orphanet 2322, MedGen C0796004, MONDO:0016512.

Allele frequency attached by ClinVar (database versions not stated): gnomAD 0.00001; TOPMed 0.00003; ExAC 0.00007.
gnomAD v4.1: 113 of 1,517,940 alleles (0.0074%); highest among the groups gnomAD compares: Non-Finnish European, 0.0095%; no homozygotes.

Submissions (4):

PreventionGenetics, part of Exact Sciences
Classification: Uncertain significance for KMT2D-related condition. Last evaluated: 2026-05-25. Review status: criteria provided, single submitter. Criteria: ACMG Guidelines, 2015. Collection method: clinical testing. Allele origin: germline.
Comment: The KMT2D c.6508C>G variant is predicted to result in the amino acid substitution p.Gln2170Glu. To our knowledge, this variant has not been reported in the literature. This variant is reported in 0.014% of alleles in individuals of European (Non-Finnish) descent in gnomAD. Although we suspect that this variant may be benign, at this time, the clinical significance of this variant is uncertain due to the absence of conclusive functional and genetic evidence.

Labcorp Genetics (formerly Invitae), Labcorp
Classification: Benign for Kabuki syndrome. Last evaluated: 2025-05-11. Review status: criteria provided, single submitter. Criteria: Invitae Variant Classification Sherloc (09022015). Collection method: clinical testing. Allele origin: germline.

Ambry Genetics
Classification: Likely benign for Inborn genetic diseases. Last evaluated: 2025-02-07. Review status: criteria provided, single submitter. Criteria: Ambry Variant Classification Scheme 2023. Collection method: clinical testing. Allele origin: germline.

Blueprint Genetics
Classification: Likely benign. Last evaluated: 2024-08-20. Review status: criteria provided, single submitter. Criteria: ACMG Guidelines, 2015. Collection method: clinical testing. Allele origin: germline.

NM_003482.4(KMT2D):c.6508C>G (p.Gln2170Glu)

Gene: KMT2D (lysine methyltransferase 2D; minus strand). Cytogenetic location: 12q13.12.
Variant type: single nucleotide variant.
Coding change: c.6508C>G on transcript NM_003482.4 (MANE Select); coding-DNA position 6508, C replaced by G.
Protein change: p.Gln2170Glu; replaces glutamine 2170 with glutamic acid.
Molecular consequence: missense variant.
Genome position (GRCh38, 1-based): chr12:49,041,262, G>C on the plus strand (C>G on the coding strand, the complement: KMT2D is on the minus strand). VCF-style: chr12-49041262-G-C. GRCh37 (hg19) VCF-style: chr12-49435045-G-C.
Other names: c.6508C>G (NM_003482.3); short protein forms Q2170E.
Identifiers: ClinVar variation 1473850 (VCV001473850.10), dbSNP rs758743247, ClinGen allele CA6547249.